The following is an entry in ClinVar:

NM_000094.4(COL7A1):c.7249C>T (p.Gln2417Ter)

Gene: COL7A1 (collagen type VII alpha 1 chain; minus strand). Cytogenetic location: 3p21.31.
Variant type: single nucleotide variant.
Coding change: c.7249C>T on transcript NM_000094.4 (MANE Select); coding-DNA position 7249, C replaced by T.
Protein change: p.Gln2417Ter; replaces glutamine 2417 with a stop codon.
Molecular consequence: nonsense.
Genome position (GRCh38, 1-based): chr3:48,570,884, G>A on the plus strand (C>T on the coding strand, the complement: COL7A1 is on the minus strand). VCF-style: chr3-48570884-G-A. GRCh37 (hg19) VCF-style: chr3-48608317-G-A.
Other names: c.7249C>T (NM_000094.3); short protein forms Q2417*.
Identifiers: ClinVar variation 1048023 (VCV001048023.27), dbSNP rs983476178, ClinGen allele CA73975244.

ClinVar aggregate classification (germline): Pathogenic. Review status: criteria provided, multiple submitters, no conflicts (2 of 4 stars). 6 submissions from 6 submitters: Pathogenic (6). Last evaluated 2025-07-09.

Conditions:
Recessive dystrophic epidermolysis bullosa (RDEB). Also called: severe generalized recessive dystrophic epidermolysis bullosa; EPIDERMOLYSIS BULLOSA DYSTROPHICA, GENERALIZED SEVERE, AUTOSOMAL RECESSIVE; Epidermolysis Bullosa Distrophica Autosomal Recessive (RDEB); DYSTROPHIC EPIDERMOLYSIS BULLOSA, AUTOSOMAL RECESSIVE; EPIDERMOLYSIS BULLOSA DYSTROPHICA, HALLOPEAU-SIEMENS TYPE; epidermolysis bullosa dystrophica, autosomal recessive. Identifiers: Orphanet 79408, Orphanet 79409, MedGen C0079474, MONDO:0009179, OMIM 226600.
Epidermolysis bullosa dystrophica. Also called: Dystrophic epidermolysis bullosa, Hallopeau-Siemens type (formerly); Dystrophic epidermolysis bullosa. Identifiers: Orphanet 303, MedGen C0079294, MONDO:0006543.

Allele frequency attached by ClinVar (database versions not stated): TOPMed below 0.00001.

Submissions (6):

Dasa
Classification: Pathogenic. Last evaluated: 2025-07-09. Review status: criteria provided, single submitter. Criteria: DASA Assertion Criteria. Collection method: clinical testing. Allele origin: germline.
Comment: NM_000094.4(COL7A1):c.7249C>T (p.Gln2417*) introduces a premature termination codon predicted to result in loss of normal protein function. Loss-of-function is an established mechanism of disease for this gene. This variant has been observed in affected individuals with related phenotype in a genotype context consistent with recessive disease. The variant is present at low frequency in population datasets. Based on the available data, this variant is classified as pathogenic.

Myriad Genetics, Inc.
Classification: Pathogenic for Recessive dystrophic epidermolysis bullosa. Last evaluated: 2025-02-11. Review status: criteria provided, single submitter. Criteria: Myriad Autosomal Dominant, Autosomal Recessive and X-Linked Classification Criteria (2023). Collection method: clinical testing. Allele origin: unknown.
Comment: NM_000094.3(COL7A1):c.7249C>T(Q2417*) is expected to be pathogenic in the context of dystrophic epidermolysis bullosa. This variant is predicted to lead to an abnormal or absent protein product due to the creation of a premature termination codon in COL7A1, a gene where loss-of-function variants are known to be pathogenic. Please note: this variant was assessed in the context of healthy population screening.

Labcorp Genetics (formerly Invitae), Labcorp
Classification: Pathogenic. Last evaluated: 2023-11-05. Review status: criteria provided, single submitter. Criteria: Invitae Variant Classification Sherloc (09022015). Collection method: clinical testing. Allele origin: germline.
Comment: This sequence change creates a premature translational stop signal (p.Gln2417*) in the COL7A1 gene. It is expected to result in an absent or disrupted protein product. Loss-of-function variants in COL7A1 are known to be pathogenic (PMID: 16971478). This variant is not present in population databases (gnomAD no frequency). This premature translational stop signal has been observed in individual(s) with autosomal recessive dystrophic epidermolysis bullosa (PMID: 10504458). ClinVar contains an entry for this variant (Variation ID: 1048023). Algorithms developed to predict the effect of sequence changes on RNA splicing suggest that this variant may disrupt the consensus splice site. For these reasons, this variant has been classified as Pathogenic.

Center for Research in Genodermatoses and Epidermolysis Bullosa, University of Buenos Aires
Classification: Pathogenic for Recessive dystrophic epidermolysis bullosa. Last evaluated: 2022-03-14. Review status: criteria provided, single submitter. Criteria: ACMG Guidelines, 2015. Collection method: clinical testing. Allele origin: germline. Affected: yes. Observed: 4 variant alleles, 3 compound heterozygotes, 1 homozygote.

Laboratorio de Genetica e Diagnostico Molecular, Hospital Israelita Albert Einstein
Classification: Pathogenic for Recessive dystrophic epidermolysis bullosa. Last evaluated: 2022-03-09. Review status: criteria provided, single submitter. Criteria: ACMG Guidelines, 2015. Collection method: clinical testing. Allele origin: germline. Affected: yes. Observed: 1 variant allele.
Comment: ACMG classification criteria: PVS1 very strong, PS4 supporting, PM2 moderated, PM3 supporting

Biomedical Innovation Departament, CIEMAT
Classification: Pathogenic for Dystrophic epidermolysis bullosa. Last evaluated: 2009-10-08. Review status: criteria provided, single submitter. Criteria: ACMG Guidelines, 2015. Collection method: research. Allele origin: germline. Affected: yes. Observed: 3 variant alleles.

Literature cited by the submitters: PubMed 16971478 (cited by Labcorp Genetics (formerly Invitae), Labcorp and Biomedical Innovation Departament, CIEMAT); PubMed 10504458 (cited by Labcorp Genetics (formerly Invitae), Labcorp and Center for Research in Genodermatoses and Epidermolysis Bullosa, University of Buenos Aires); PubMed 35979658 (cited by Center for Research in Genodermatoses and Epidermolysis Bullosa, University of Buenos Aires).